The following is an entry in ClinVar:

ClinVar aggregate classification (germline): Likely benign (1 of 4 stars; one submission).

Submission:

Laboratory for Molecular Medicine, Mass General Brigham Personalized Medicine
Classification: Likely benign. Last evaluated: 2019-07-02. Review status: criteria provided, single submitter. Criteria: LMM Criteria. Collection method: clinical testing. Allele origin: germline. Observed: 1 variant allele.
Comment: The p.Arg303Arg variant in USH1C is classified as likely benign because it does not alter an amino acid residue, it is not located within the splice consensus sequence, and splice prediction algorithms do not predict a newly created splice site. ACMG/AMP Criteria applied: BP4, BP7.

NM_153676.4(USH1C):c.909G>T (p.Arg303=)

Gene: USH1C (USH1 protein network component harmonin; minus strand). Cytogenetic location: 11p15.1.
Variant type: single nucleotide variant.
Coding change: c.909G>T on transcript NM_153676.4 (MANE Select); coding-DNA position 909, G replaced by T.
Protein change: p.Arg303=; no amino-acid change (arginine 303 retained).
Molecular consequence: synonymous variant. On other transcripts: non-coding transcript variant (1).
Genome position (GRCh38, 1-based): chr11:17,522,894, C>A on the plus strand (G>T on the coding strand, the complement: USH1C is on the minus strand). VCF-style: chr11-17522894-C-A. GRCh37 (hg19) VCF-style: chr11-17544441-C-A.
Other names: c.852G>T, p.Arg284= (NM_001297764.2); c.909G>T, p.Arg303= (NM_005709.4).
Identifiers: ClinVar variation 930058 (VCV000930058.4), dbSNP rs1850478673, ClinGen allele CA473301437.